The following is an entry in ClinVar:

NM_001001563.5(TIMM50):c.727C>G (p.Arg243Gly)

Gene: TIMM50 (translocase of inner mitochondrial membrane 50; plus strand). Cytogenetic location: 19q13.2.
Variant type: single nucleotide variant.
Coding change: c.727C>G on transcript NM_001001563.5 (MANE Select); coding-DNA position 727, C replaced by G.
Protein change: p.Arg243Gly; replaces arginine 243 with glycine.
Molecular consequence: missense variant.
Genome position (GRCh38, 1-based): chr19:39,488,091, C>G. VCF-style: chr19-39488091-C-G. GRCh37 (hg19) VCF-style: chr19-39978731-C-G.
Other names: c.388C>G, p.Arg130Gly (NM_001329559.2); c.1036C>G (NM_001001563.3); short protein forms R243G, R130G.
Identifiers: ClinVar variation 2258982 (VCV002258982.3), dbSNP rs1383012547, ClinGen allele CA405789199.

ClinVar aggregate classification (germline): Uncertain significance. Review status: criteria provided, multiple submitters, no conflicts (2 of 4 stars). 2 submissions from 2 submitters: Uncertain significance (2). Last evaluated 2024-01-26.

Conditions:
Inborn genetic diseases. Identifiers: MedGen C0950123, MeSH D030342.

Submissions (2):

GeneDx
Classification: Uncertain significance. Last evaluated: 2024-01-26. Review status: criteria provided, single submitter. Criteria: GeneDx Variant Classification Process June 2021. Collection method: clinical testing. Allele origin: germline. Affected: yes.
Comment: Not observed at significant frequency in large population cohorts (gnomAD); In silico analysis supports that this missense variant has a deleterious effect on protein structure/function; Has not been previously published as pathogenic or benign to our knowledge

Ambry Genetics
Classification: Uncertain significance for Inborn genetic diseases. Last evaluated: 2021-11-05. Review status: criteria provided, single submitter. Criteria: Ambry Variant Classification Scheme 2023. Collection method: clinical testing. Allele origin: germline.